The following is an entry in ClinVar:

ClinVar aggregate classification (germline): Conflicting classifications of pathogenicity. Review status: criteria provided, conflicting classifications (1 of 4 stars). 4 submissions from 4 submitters: Uncertain significance (3); Likely benign (1). Last evaluated 2025-07-14.

Conditions:
Cardiovascular phenotype. Identifiers: MedGen CN230736.
Cardiomyopathy (CMYO). Also called: Cardiomyopathies. Identifiers: Orphanet 167848, MedGen C0878544, MONDO:0004994, HP:0001638. Inheritance: Various modes of inheritance.

Allele frequency attached by ClinVar (database versions not stated): TOPMed 0.00001.

Submissions (4):

Ambry Genetics
Classification: Likely benign for Cardiovascular phenotype. Last evaluated: 2025-07-14. Review status: criteria provided, single submitter. Criteria: Ambry Variant Classification Scheme 2023. Collection method: clinical testing. Allele origin: germline.

Color Diagnostics, LLC DBA Color Health
Classification: Uncertain significance for Cardiomyopathy. Last evaluated: 2024-06-24. Review status: criteria provided, single submitter. Criteria: ACMG Guidelines, 2015. Collection method: clinical testing. Allele origin: germline.
Comment: This missense variant replaces threonine with alanine at codon 114 of the MYBPC3 protein. Computational prediction tools indicate that this variant has a neutral impact on protein structure and function. To our knowledge, functional studies have not been reported for this variant. This variant has been reported in an individual affected with hypertrophic cardiomyopathy (PMID: 30297972, 32841044, 33782553). This variant has not been identified in the general population by the Genome Aggregation Database (gnomAD). The available evidence is insufficient to determine the role of this variant in disease conclusively. Therefore, this variant is classified as a Variant of Uncertain Significance.

Stanford Center for Inherited Cardiovascular Disease, Stanford University
Classification: Uncertain significance. Last evaluated: 2014-01-03. Review status: criteria provided, single submitter. Criteria: ACMG Guidelines, 2015. Collection method: provider interpretation. Allele origin: germline.

GeneDx
Classification: Uncertain significance. Last evaluated: 2013-08-14. Review status: criteria provided, single submitter. Criteria: GeneDx Variant Classification (06012015). Collection method: clinical testing. Allele origin: germline. Affected: yes.
Comment: p.Thr114Ala (ACT>GCT): c.340 A>G in exon 3 of the MYBPC3 gene (NM_000256.3)The Thr114Ala variant in the MYBPC3 gene has not been reported as a disease-causing mutation or as a benign polymorphism to our knowledge. Although Thr114Ala results in a non-conservative amino acid substitution of a neutral, polar Threonine with a non-polar Alanine, the Thr114Ala position is not conserved across species. In silico analysis predicts Thr114Ala is benign to the protein structure/function. No mutations in nearby residues have been reported in association with HCM, indicating this region of the protein may be tolerant of change. However, the Thr114Ala variant was not observed in approximately 5,900 individuals of European and African American ancestry in the NHLBI Exome Sequencing Project, indicating it is not a common benign variant in these populations.With the clinical and molecular information available at this time, we cannot definitively determine if Thr114Ala is a disease-causing mutation or a rare benign variant. Mutations in the MYBPC3 gene have been reported in 20%-30% of patients with autosomal dominant familial hypertrophic cardiomyopathy, and have been reported less frequently in patients with autosomal dominant familial dilated cardiomyopathy (Cirino A et al., 2011; Hershberger R et al., 2009). The variant is found in HCM panel(s).

Literature cited by the submitters: PubMed 30297972 (cited by Color Diagnostics, LLC DBA Color Health); PubMed 32841044 (cited by Color Diagnostics, LLC DBA Color Health); PubMed 33782553 (cited by Color Diagnostics, LLC DBA Color Health).

NM_000256.3(MYBPC3):c.340A>G (p.Thr114Ala)

Gene: MYBPC3 (myosin binding protein C3; minus strand). Cytogenetic location: 11p11.2.
Variant type: single nucleotide variant.
Coding change: c.340A>G on transcript NM_000256.3 (MANE Select); coding-DNA position 340, A replaced by G.
Protein change: p.Thr114Ala; replaces threonine 114 with alanine.
Molecular consequence: missense variant.
Genome position (GRCh38, 1-based): chr11:47,350,568, T>C on the plus strand (A>G on the coding strand, the complement: MYBPC3 is on the minus strand). VCF-style: chr11-47350568-T-C. GRCh37 (hg19) VCF-style: chr11-47372119-T-C.
Other names: p.T114A:ACT>GCT; c.340A>G, p.Thr114Ala (LRG_386t1); short protein forms T114A.
Identifiers: ClinVar variation 181032 (VCV000181032.5), dbSNP rs730880612, ClinGen allele CA014103.